The following is an entry in ClinVar:

ClinVar aggregate classification (germline): Uncertain significance (1 of 4 stars; one submission).

Submission:

GeneDx
Classification: Uncertain significance. Last evaluated: 2024-03-08. Review status: criteria provided, single submitter. Criteria: GeneDx Variant Classification Process June 2021. Collection method: clinical testing. Allele origin: germline. Affected: yes.
Comment: Not observed at significant frequency in large population cohorts (gnomAD); In silico analysis supports that this missense variant has a deleterious effect on protein structure/function; Has not been previously published as pathogenic or benign to our knowledge

NM_000193.4(SHH):c.1142G>T (p.Arg381Leu)

Gene: SHH (sonic hedgehog signaling molecule; minus strand). Cytogenetic location: 7q36.3.
Variant type: single nucleotide variant.
Coding change: c.1142G>T on transcript NM_000193.4 (MANE Select); coding-DNA position 1142, G replaced by T.
Protein change: p.Arg381Leu; replaces arginine 381 with leucine.
Molecular consequence: missense variant. On other transcripts: intron variant (1).
Genome position (GRCh38, 1-based): chr7:155,803,147, C>A on the plus strand (G>T on the coding strand, the complement: SHH is on the minus strand). VCF-style: chr7-155803147-C-A. GRCh37 (hg19) VCF-style: chr7-155595841-C-A.
Other names: c.302-2902G>T (NM_001310462.2); short protein forms R381L.
Identifiers: ClinVar variation 2504390 (VCV002504390.2), dbSNP rs1803240923, ClinGen allele CA370144928.